The following is an entry in ClinVar:

NM_001008212.2(OPTN):c.1269G>A (p.Leu423=)

Gene: OPTN (optineurin; plus strand). Cytogenetic location: 10p13.
Variant type: single nucleotide variant.
Coding change: c.1269G>A on transcript NM_001008212.2 (MANE Select); coding-DNA position 1269, G replaced by A.
Protein change: p.Leu423=; no amino-acid change (leucine 423 retained).
Molecular consequence: synonymous variant.
Genome position (GRCh38, 1-based): chr10:13,127,771, G>A. VCF-style: chr10-13127771-G-A. GRCh37 (hg19) VCF-style: chr10-13169771-G-A.
Other names: c.1269G>A, p.Leu423= (NM_001008211.1, NM_001008213.1, NM_021980.4).
Identifiers: ClinVar variation 2053883 (VCV002053883.5), dbSNP rs769491262, ClinGen allele CA5410932.

ClinVar aggregate classification (germline): Likely benign. Review status: criteria provided, multiple submitters, no conflicts (2 of 4 stars). 2 submissions from 2 submitters: Likely benign (2). Last evaluated 2025-10-23.

Conditions:
OPTN-related disorder. Also called: OPTN-related condition; OPTN-related disorders.
Glaucoma 1, open angle, E. Identifiers: MedGen C1842026, MONDO:0007665.
Amyotrophic lateral sclerosis type 12 (ALS12). Also called: AMYOTROPHIC LATERAL SCLEROSIS 12 WITH OR WITHOUT FRONTOTEMPORAL DEMENTIA. Identifiers: Orphanet 803, MedGen C3150692, MONDO:0013264, OMIM 613435.
Primary open angle glaucoma (POAG). Also called: OPTN-related open angle glaucoma. Identifiers: MedGen C0339573, MONDO:0100553, OMIM 137760.

Allele frequency attached by ClinVar (database versions not stated): gnomAD exomes 0.00001; ExAC 0.00002; gnomAD 0.00003; TOPMed 0.00003.
gnomAD v4.1: 24 of 1,614,054 alleles (0.0015%); highest among the groups gnomAD compares: Non-Finnish European, 0.002%; no homozygotes.

Submissions (2):

PreventionGenetics, part of Exact Sciences
Classification: Likely benign for OPTN-related condition. Last evaluated: 2025-10-23. Review status: criteria provided, single submitter. Criteria: ACMG Guidelines, 2015. Collection method: clinical testing. Allele origin: germline.
Comment: This variant is classified as likely benign based on ACMG/AMP sequence variant interpretation guidelines (Richards et al. 2015 PMID: 25741868, with internal and published modifications).

Labcorp Genetics (formerly Invitae), Labcorp
Classification: Likely benign for Primary open angle glaucoma; Glaucoma 1, open angle, E; Amyotrophic lateral sclerosis type 12. Last evaluated: 2022-06-18. Review status: criteria provided, single submitter. Criteria: Invitae Variant Classification Sherloc (09022015). Collection method: clinical testing. Allele origin: germline.